The following is an entry in ClinVar:

ClinVar aggregate classification (germline): Uncertain significance (1 of 4 stars; one submission).

Conditions:
Kleefstra syndrome 1 (KLEFS1). Identifiers: Orphanet 261494, MedGen C0795833, MONDO:0027407, OMIM 610253.

gnomAD v4.1: 1 of 1,613,296 alleles (0.000062%); highest among the groups gnomAD compares: Non-Finnish European, 0.000085%; no homozygotes.

Submission:

Labcorp Genetics (formerly Invitae), Labcorp
Classification: Uncertain significance for Kleefstra syndrome 1. Last evaluated: 2024-10-08. Review status: criteria provided, single submitter. Criteria: Invitae Variant Classification Sherloc (09022015). Collection method: clinical testing. Allele origin: germline.
Comment: This sequence change replaces alanine, which is neutral and non-polar, with valine, which is neutral and non-polar, at codon 92 of the EHMT1 protein (p.Ala92Val). This variant is not present in population databases (gnomAD no frequency). This variant has not been reported in the literature in individuals affected with EHMT1-related conditions. ClinVar contains an entry for this variant (Variation ID: 1966799). An algorithm developed to predict the effect of missense changes on protein structure and function (PolyPhen-2) suggests that this variant is likely to be disruptive. In summary, the available evidence is currently insufficient to determine the role of this variant in disease. Therefore, it has been classified as a Variant of Uncertain Significance.

NM_024757.5(EHMT1):c.275C>T (p.Ala92Val)

Gene: EHMT1 (euchromatic histone lysine methyltransferase 1; plus strand). Cytogenetic location: 9q34.3.
Variant type: single nucleotide variant.
Coding change: c.275C>T on transcript NM_024757.5 (MANE Select); coding-DNA position 275, C replaced by T.
Protein change: p.Ala92Val; replaces alanine 92 with valine.
Molecular consequence: missense variant.
Genome position (GRCh38, 1-based): chr9:137,716,815, C>T. VCF-style: chr9-137716815-C-T. GRCh37 (hg19) VCF-style: chr9-140611267-C-T.
Other names: c.275C>T, p.Ala92Val (NM_001354263.2, NM_001354611.2, NM_001145527.2); c.182C>T, p.Ala61Val (NM_001354612.2, NM_001354259.2); short protein forms A61V, A92V.
Identifiers: ClinVar variation 1966799 (VCV001966799.5), dbSNP rs1361231265, ClinGen allele CA375763912.
Genomic context (GRCh38, chr9:137,716,815, plus strand): 5'-ACACTCAGGACAGCGCAAGGGTCAACCCCCAGGATGGCACCAACACACTAACTCGGATAG[C>T]GGAAAATGGGGTTTCAGAAAGAGACTCAGAAGCGGCGAAGCAAAACCACGTCACTGCCGA-3'
Protein context (NP_079033.4, residues 82-102): QDGTNTLTRI[Ala92Val]ENGVSERDSE